The following is an entry in ClinVar:

ClinVar aggregate classification (germline): Uncertain significance (1 of 4 stars; one submission).

Conditions:
VCAN-related disorder. Also called: VCAN-related condition.

Submission:

PreventionGenetics, part of Exact Sciences
Classification: Uncertain significance for VCAN-related condition. Last evaluated: 2025-12-10. Review status: criteria provided, single submitter. Criteria: ACMG Guidelines, 2015. Collection method: clinical testing. Allele origin: germline.
Comment: The VCAN c.6868G>C variant is predicted to result in the amino acid substitution p.Val2290Leu. To our knowledge, this variant has not been reported in the literature or in a large population database, indicating this variant is rare. At this time, the clinical significance of this variant is uncertain due to the absence of conclusive functional and genetic evidence.

NM_004385.5(VCAN):c.6868G>C (p.Val2290Leu)

Genes: VCAN (versican; plus strand), VCAN-AS1 (VCAN antisense RNA 1; minus strand). Cytogenetic location: 5q14.3.
Variant type: single nucleotide variant.
Coding change: c.6868G>C on transcript NM_004385.5 (MANE Select); coding-DNA position 6868, G replaced by C.
Protein change: p.Val2290Leu; replaces valine 2290 with leucine.
Molecular consequence: missense variant. On other transcripts: intron variant (2).
Genome position (GRCh38, 1-based): chr5:83,539,871, G>C. VCF-style: chr5-83539871-G-C. GRCh37 (hg19) VCF-style: chr5-82835690-G-C.
Other names: c.3907G>C, p.Val1303Leu (NM_001164097.2); c.4004-5666G>C (NM_001164098.2); c.1043-5666G>C (NM_001126336.3); short protein forms V1303L, V2290L.
Identifiers: ClinVar variation 2631660 (VCV002631660.2), dbSNP rs2479115483, ClinGen allele CA360313510.